The following is an entry in ClinVar:

ClinVar aggregate classification (germline): Uncertain significance (1 of 4 stars; one submission).

Conditions:
Intellectual developmental disorder, autosomal dominant 3. Also called: Intellectual disability, autosomal dominant 3. Identifiers: MedGen C2675488, MONDO:0012946, OMIM 612580.

Allele frequency attached by ClinVar (database versions not stated): gnomAD exomes 0.00001; TOPMed 0.00001.
gnomAD v4.1: 1 of 1,554,934 alleles (0.000064%); highest among the groups gnomAD compares: South Asian, 0.0012%; no homozygotes.

Submission:

Baylor Genetics
Classification: Uncertain significance for Intellectual developmental disorder, autosomal dominant 3. Last evaluated: 2018-05-08. Review status: criteria provided, single submitter. Criteria: ACMG Guidelines, 2015. Collection method: clinical testing. Allele origin: maternal. Affected: yes.
Comment: This variant was determined to be of uncertain significance according to ACMG Guidelines, 2015 [PMID:25741868].

NM_004933.3(CDH15):c.1615+5G>A

Gene: CDH15 (cadherin 15; plus strand). Cytogenetic location: 16q24.3.
Variant type: single nucleotide variant.
Coding change: c.1615+5G>A on transcript NM_004933.3 (MANE Select); 5 bases into the intron after coding-DNA position 1615, G replaced by A.
Molecular consequence: intron variant.
Genome position (GRCh38, 1-based): chr16:89,191,899, G>A. VCF-style: chr16-89191899-G-A. GRCh37 (hg19) VCF-style: chr16-89258307-G-A.
Identifiers: ClinVar variation 1034130 (VCV001034130.1), dbSNP rs1179286148, ClinGen allele CA624451603.
Genomic context (GRCh38, chr16:89,191,899, plus strand): 5'-GCTGAGCCCCAGGCTCCCAGAGCTCGGCCGGAACTGGAGCCTCAGCCAGGTCAACGGTGC[G>A]CTCCCCTCACCGCCGCGCTCCCCCCATCCCCACGCTCCCCCCACCCCCACATTCCGGCCT-3'